The following is an entry in ClinVar:

NM_016239.4(MYO15A):c.3201G>A (p.Ala1067=)

Gene: MYO15A (myosin XVA; plus strand). Cytogenetic location: 17p11.2.
Variant type: single nucleotide variant.
Coding change: c.3201G>A on transcript NM_016239.4 (MANE Select); coding-DNA position 3201, G replaced by A.
Protein change: p.Ala1067=; no amino-acid change (alanine 1067 retained).
Molecular consequence: synonymous variant.
Genome position (GRCh38, 1-based): chr17:18,122,001, G>A. VCF-style: chr17-18122001-G-A. GRCh37 (hg19) VCF-style: chr17-18025315-G-A.
Identifiers: ClinVar variation 512848 (VCV000512848.25), dbSNP rs148356427, ClinGen allele CA8423405.

ClinVar aggregate classification (germline): Conflicting classifications of pathogenicity. Review status: criteria provided, conflicting classifications (1 of 4 stars). 5 submissions from 5 submitters: Uncertain significance (1); Benign (1); Likely benign (3). Last evaluated 2026-01-20.

Conditions:
Autosomal recessive nonsyndromic hearing loss 3. Also called: NEUROSENSORY NONSYNDROMIC RECESSIVE DEAFNESS 3. Identifiers: Orphanet 90636, MedGen C1838263, MONDO:0010860, OMIM 600316.

Allele frequency attached by ClinVar (database versions not stated): gnomAD exomes 0.00036 and 0.00084; ExAC 0.00107; 1000 Genomes Project 0.00339; ESP Exome Variant Server 0.00365; 1000 Genomes Project 30x 0.00375; gnomAD 0.00391 and 0.00415; TOPMed 0.00439.
gnomAD v4.1: 1,131 of 1,613,192 alleles (0.07%); highest among the groups gnomAD compares: African/African-American, 1.3%; 5 homozygotes.

Submissions (6):

Labcorp Genetics (formerly Invitae), Labcorp
Classification: Benign. Last evaluated: 2026-01-20. Review status: criteria provided, single submitter. Criteria: Invitae Variant Classification Sherloc (09022015). Collection method: clinical testing. Allele origin: germline.

CeGaT Center for Human Genetics Tuebingen
Classification: Likely benign. Last evaluated: 2025-09-01. Review status: criteria provided, single submitter. Criteria: CeGaT Center For Human Genetics Tuebingen Variant Classification Criteria Version 2. Collection method: clinical testing. Allele origin: germline. Affected: yes. Observed: 1 variant allele.
Comment: MYO15A: BP4, BP7, BS1

Blueprint Genetics
Classification: Likely benign. Last evaluated: 2024-08-20. Review status: criteria provided, single submitter. Criteria: ACMG Guidelines, 2015. Collection method: clinical testing. Allele origin: germline.

GeneDx
Classification: Likely benign. Last evaluated: 2021-04-30. Review status: criteria provided, single submitter. Criteria: GeneDx Variant Classification Process June 2021. Collection method: clinical testing. Allele origin: germline. Affected: yes.

Illumina Laboratory Services, Illumina
Classification: Uncertain significance for Autosomal recessive nonsyndromic hearing loss 3. Last evaluated: 2018-01-12. Review status: criteria provided, single submitter. Criteria: ICSL Variant Classification Criteria 13 December 2019. Collection method: clinical testing. Allele origin: germline.

Dr. Peter K. Rogan Lab, Western University
No classification provided (evidence only). Condition: Acute myeloid leukemia. Review status: no classification provided. Collection method: in vitro. Allele origin: not applicable. Functional consequence: retained intron. Not counted in ClinVar's aggregate classification.